The following is an entry in ClinVar:

ClinVar aggregate classification (germline): Uncertain significance. Review status: criteria provided, multiple submitters, no conflicts (2 of 4 stars). 2 submissions from 2 submitters: Uncertain significance (2). Last evaluated 2023-11-13.

Conditions:
Familial thoracic aortic aneurysm and aortic dissection (TAAD). Also called: Thoracic aortic aneurysms and dissections. Identifiers: Orphanet 91387, MedGen C4707243, MONDO:0019625.

Allele frequency attached by ClinVar (database versions not stated): ExAC 0.00001.
gnomAD v4.1: 1 of 1,613,922 alleles (0.000062%); highest among the groups gnomAD compares: Non-Finnish European, 0.000085%; no homozygotes.

Submissions (2):

GeneDx
Classification: Uncertain significance. Last evaluated: 2023-11-13. Review status: criteria provided, single submitter. Criteria: GeneDx Variant Classification Process June 2021. Collection method: clinical testing. Allele origin: germline. Affected: yes.
Comment: Has not been previously published as pathogenic or benign to our knowledge; Not observed at significant frequency in large population cohorts (gnomAD); At the protein level, in silico analysis supports that this missense variant does not alter protein structure/function; At the mRNA level, in silico analysis suggests this variant may impact gene splicing. In the absence of RNA/functional studies, the actual effect of this sequence change is unknown.

Ambry Genetics
Classification: Uncertain significance for Familial thoracic aortic aneurysm and aortic dissection. Last evaluated: 2021-12-23. Review status: criteria provided, single submitter. Criteria: Ambry Variant Classification Scheme 2023. Collection method: clinical testing. Allele origin: germline.
Comment: The p.E1903D variant (also known as c.5709G>C), located in coding exon 31 of the MYLK gene, results from a G to C substitution at nucleotide position 5709. The glutamic acid at codon 1903 is replaced by aspartic acid, an amino acid with highly similar properties. This amino acid position is conserved. In addition, this alteration is predicted to be tolerated by in silico analysis. Since supporting evidence is limited at this time, the clinical significance of this alteration remains unclear.

NM_053025.4(MYLK):c.5709G>C (p.Glu1903Asp)

Genes: MYLK (myosin light chain kinase; minus strand), MYLK-AS1 (MYLK antisense RNA 1; plus strand). Cytogenetic location: 3q21.1.
Variant type: single nucleotide variant.
Coding change: c.5709G>C on transcript NM_053025.4 (MANE Select); coding-DNA position 5709, G replaced by C.
Protein change: p.Glu1903Asp; replaces glutamic acid 1903 with aspartic acid.
Molecular consequence: missense variant.
Genome position (GRCh38, 1-based): chr3:123,614,141, C>G on the plus strand (G>C on the coding strand, the complement: MYLK is on the minus strand). VCF-style: chr3-123614141-C-G. GRCh37 (hg19) VCF-style: chr3-123332988-C-G.
Other names: c.5181G>C, p.Glu1727Asp (NM_001321309.2); c.5502G>C, p.Glu1834Asp (NM_053026.4); c.5556G>C, p.Glu1852Asp (NM_053027.4); c.5349G>C, p.Glu1783Asp (NM_053028.4); c.426G>C, p.Glu142Asp (NM_053031.4); c.429G>C, p.Glu143Asp (NM_053032.4); short protein forms E143D, E1852D, E1727D, E142D, E1783D, E1834D, E1903D.
Identifiers: ClinVar variation 1749196 (VCV001749196.3), dbSNP rs758153631, ClinGen allele CA073212.
Genomic context (GRCh38, chr3:123,614,141, plus strand): 5'-AAACTGCTTTTCTCTGGCTTTGTTTCACTCTTCTTCCTCTTCCCCTTCCCCTTCACCTTC[C>G]TCCATCGTTTCCACAATGAGCTCTGCTGTGCAGGTGGCTTCTCCAAGACTGTTGACAGCC-3'
Protein context (NP_444253.3, residues 1893-1913): CTAELIVETM[Glu1903Asp]EGEGEGEEEE